The following is an entry in ClinVar:

NM_033380.3(COL4A5):c.2245-1G>A

Gene: COL4A5 (collagen type IV alpha 5 chain; plus strand). Cytogenetic location: Xq22.3.
Variant type: single nucleotide variant.
Coding change: c.2245-1G>A on transcript NM_033380.3 (MANE Select); the canonical splice acceptor site of the intron before coding-DNA position 2245, G replaced by A.
Molecular consequence: splice acceptor variant.
Genome position (GRCh38, 1-based): chrX:108,606,741, G>A. VCF-style: chrX-108606741-G-A. GRCh37 (hg19) VCF-style: chrX-107849971-G-A.
Other names: c.2245-1G>A (NM_000495.5).
Identifiers: ClinVar variation 1384528 (VCV001384528.6), dbSNP rs104886348, ClinGen allele CA258643.

ClinVar aggregate classification (germline): Pathogenic (1 of 4 stars; one submission).

Submission:

Labcorp Genetics (formerly Invitae), Labcorp
Classification: Pathogenic. Last evaluated: 2022-04-12. Review status: criteria provided, single submitter. Criteria: Invitae Variant Classification Sherloc (09022015). Collection method: clinical testing. Allele origin: germline.
Comment: Disruption of this splice site has been observed in individuals with clinical features of Alport syndrome (PMID: 9848783; Invitae). This variant is not present in population databases (gnomAD no frequency). This sequence change affects an acceptor splice site in intron 28 of the COL4A5 gene. It is expected to disrupt RNA splicing. Variants that disrupt the donor or acceptor splice site typically lead to a loss of protein function (PMID: 16199547), and loss-of-function variants in COL4A5 are known to be pathogenic (PMID: 9195222, 10752524, 14514738, 24854265, 26809805). This variant is also known as c.2447-1G>A. For these reasons, this variant has been classified as Pathogenic. Algorithms developed to predict the effect of sequence changes on RNA splicing suggest that this variant may disrupt the consensus splice site.

Literature cited by the submitters: PubMed 9848783; PubMed 16199547; PubMed 9195222; PubMed 10752524; PubMed 14514738; PubMed 24854265; PubMed 26809805.